The following is an entry in ClinVar:

ClinVar aggregate classification (germline): Conflicting classifications of pathogenicity. Review status: criteria provided, conflicting classifications (1 of 4 stars). 9 submissions from 9 submitters: Uncertain significance (2); Benign (1); Likely benign (6). Last evaluated 2026-02-02.

Conditions:
CTC1-related disorder. Also called: CTC1-related condition.
Cerebroretinal microangiopathy with calcifications and cysts 1 (CRMCC1). Identifiers: Orphanet 313838, MedGen C4552029, MONDO:0024564, OMIM 612199.
Dyskeratosis congenita. Identifiers: Orphanet 1775, MedGen C0265965, MONDO:0015780.

Allele frequency attached by ClinVar (database versions not stated): 1000 Genomes Project 0.00060; 1000 Genomes Project 30x 0.00062; gnomAD 0.00113 and 0.00117; gnomAD exomes 0.00120 and 0.00157; TOPMed 0.00120; ESP Exome Variant Server 0.00145; ExAC 0.00211.
gnomAD v4.1: 2,422 of 1,584,618 alleles (0.15%); highest among the groups gnomAD compares: Admixed American, 0.18%; 2 homozygotes.

Submissions (9):

Labcorp Genetics (formerly Invitae), Labcorp
Classification: Benign for Dyskeratosis congenita. Last evaluated: 2026-02-02. Review status: criteria provided, single submitter. Criteria: Invitae Variant Classification Sherloc (09022015). Collection method: clinical testing. Allele origin: germline.

PreventionGenetics, part of Exact Sciences
Classification: Likely benign for CTC1-related condition. Last evaluated: 2025-03-30. Review status: criteria provided, single submitter. Criteria: ACMG Guidelines, 2015. Collection method: clinical testing. Allele origin: germline.
Comment: This variant is classified as likely benign based on ACMG/AMP sequence variant interpretation guidelines (Richards et al. 2015 PMID: 25741868, with internal and published modifications).

Blueprint Genetics
Classification: Likely benign. Last evaluated: 2024-11-22. Review status: criteria provided, single submitter. Criteria: ACMG Guidelines, 2015. Collection method: clinical testing. Allele origin: germline.

Genome-Nilou Lab
Classification: Likely benign for Cerebroretinal microangiopathy with calcifications and cysts 1. Last evaluated: 2021-07-15. Review status: criteria provided, single submitter. Criteria: ACMG Guidelines, 2015. Collection method: clinical testing. Allele origin: germline. Affected: no.

Genetic Services Laboratory, University of Chicago
Classification: Likely benign. Last evaluated: 2021-04-14. Review status: criteria provided, single submitter. Criteria: ACMG Guidelines, 2015. Collection method: clinical testing. Allele origin: germline. Affected: no.

Sema4
Classification: Likely benign for Dyskeratosis congenita. Last evaluated: 2020-11-09. Review status: criteria provided, single submitter. Criteria: Sema4 Curation Guidelines. Collection method: curation. Allele origin: germline.

Revvity Omics, Revvity
Classification: Uncertain significance for Cerebroretinal microangiopathy with calcifications and cysts 1. Last evaluated: 2019-07-24. Review status: criteria provided, single submitter. Criteria: ACMG Guidelines, 2015. Collection method: clinical testing. Allele origin: germline.

GeneDx
Classification: Likely benign. Last evaluated: 2019-03-11. Review status: criteria provided, single submitter. Criteria: GeneDx Variant Classification Process June 2021. Collection method: clinical testing. Allele origin: germline. Affected: yes.

Illumina Laboratory Services, Illumina
Classification: Uncertain significance for Dyskeratosis congenita. Last evaluated: 2017-04-27. Review status: criteria provided, single submitter. Criteria: ICSL Variant Classification Criteria 13 December 2019. Collection method: clinical testing. Allele origin: germline.

NM_025099.6(CTC1):c.1720C>T (p.Pro574Ser)

Gene: CTC1 (CST telomere replication complex component 1; minus strand). Cytogenetic location: 17p13.1.
Variant type: single nucleotide variant.
Coding change: c.1720C>T on transcript NM_025099.6 (MANE Select); coding-DNA position 1720, C replaced by T.
Protein change: p.Pro574Ser; replaces proline 574 with serine.
Molecular consequence: missense variant. On other transcripts: non-coding transcript variant (1).
Genome position (GRCh38, 1-based): chr17:8,234,553, G>A on the plus strand (C>T on the coding strand, the complement: CTC1 is on the minus strand). VCF-style: chr17-8234553-G-A. GRCh37 (hg19) VCF-style: chr17-8137871-G-A.
Other names: short protein forms P574S.
Identifiers: ClinVar variation 412531 (VCV000412531.32), dbSNP rs200440641, ClinGen allele CA8372273.